The following is an entry in ClinVar:

NM_001372044.2(SHANK3):c.2220-8_2220-6del

Gene: SHANK3 (SH3 and multiple ankyrin repeat domains 3; plus strand). Cytogenetic location: 22q13.33.
Variant type: Microsatellite.
Coding change: c.2220-8_2220-6del on transcript NM_001372044.2; 8 bases into the intron before coding-DNA position 2220 through 6 bases into the intron before coding-DNA position 2220, 3 bases deleted (CTT; older notation c.2220-8_2220-6delCTT).
Molecular consequence: intron variant.
Genome position (GRCh38, 1-based): chr22:50,706,064-50,706,066, CTT deleted; deleting any 3 consecutive bases within chr22:50,706,060-50,706,066 gives the same sequence; the c. name uses the placement nearest the transcript's 3' end. VCF-style (leftmost placement, unchanged base first): chr22-50706059-CTCT-C. GRCh37 (hg19) VCF-style: chr22-51144487-CTCT-C.
Identifiers: ClinVar variation 681053 (VCV000681053.1), dbSNP rs1603446766, ClinGen allele CA915951506.
Genomic context (GRCh38, chr22:50,706,059, plus strand): 5'-TGGCACCTGCACCTGGCCACGCCGCGCCGCCTGCTGCTGGACAGGAGGTCCAAGGCCTCC[CTCT>C]TCTTTGCAGCCCCACCGCCCCCCAAGAGGGCCCCCAGCACCACACTGACCCTGCGCTCCA-3'

ClinVar aggregate classification (germline): Likely benign (1 of 4 stars; one submission).

Submission:

GeneDx
Classification: Likely benign. Last evaluated: 2018-03-28. Review status: criteria provided, single submitter. Criteria: GeneDx Variant Classification (06012015). Collection method: clinical testing. Allele origin: germline. Affected: yes.
Comment: This variant is considered likely benign or benign based on one or more of the following criteria: it is a conservative change, it occurs at a poorly conserved position in the protein, it is predicted to be benign by multiple in silico algorithms, and/or has population frequency not consistent with disease.